The following is an entry in ClinVar:

NM_004329.3(BMPR1A):c.435G>A (p.Pro145=)

Gene: BMPR1A (bone morphogenetic protein receptor type 1A; plus strand). Cytogenetic location: 10q23.2.
Variant type: single nucleotide variant.
Coding change: c.435G>A on transcript NM_004329.3 (MANE Select); coding-DNA position 435, G replaced by A.
Protein change: p.Pro145=; no amino-acid change (proline 145 retained).
Molecular consequence: synonymous variant.
Genome position (GRCh38, 1-based): chr10:86,900,031, G>A. VCF-style: chr10-86900031-G-A. GRCh37 (hg19) VCF-style: chr10-88659788-G-A.
Identifiers: ClinVar variation 183708 (VCV000183708.53), dbSNP rs11818239, ClinGen allele CA186187.
Genomic context (GRCh38, chr10:86,900,031, plus strand): 5'-ACACGTCAGATTATTTTTTCATTTCAATTGTTTACATTGTTTACTTTTATTGTCAGGTCC[G>A]TTTTTTGATGGCAGCATTCGATGGCTGGTTTTGCTCATTTCTATGGCTGTCTGCATAATT-3'
Protein context (NP_004320.2, residues 135-155): QPTLPPVVIG[Pro145=]FFDGSIRWLV

ClinVar aggregate classification (germline): Benign. Review status: criteria provided, multiple submitters, no conflicts (2 of 4 stars). 22 submissions from 22 submitters: Benign (15). 7 of the submissions do not count toward it. Last evaluated 2026-02-04.

Conditions:
Juvenile polyposis syndrome (JPS). Identifiers: Orphanet 2929, MedGen C0345893, MONDO:0017380, OMIM 174900.
Hereditary cancer-predisposing syndrome. Also called: Tumor predisposition; Hereditary Cancer Syndrome; Hereditary neoplastic syndrome; Neoplastic Syndromes, Hereditary. Identifiers: Orphanet 140162, MedGen C0027672, MeSH D009386, MONDO:0015356.
Polyposis syndrome, hereditary mixed, 2. Identifiers: Orphanet 157794, MedGen C1864730, MONDO:0012405, OMIM 610069.
Generalized juvenile polyposis/juvenile polyposis coli. Also called: Juvenile polyposis coli. Identifiers: Orphanet 329971, MedGen C1868081, MONDO:0008276.

Allele frequency attached by ClinVar (database versions not stated): ExAC 0.01291; gnomAD 0.03999 and 0.04296; 1000 Genomes Project 0.04133; 1000 Genomes Project 30x 0.04435; ESP Exome Variant Server 0.04475; TOPMed 0.04559.
gnomAD v4.1: 12,291 of 1,614,050 alleles (0.76%); highest among the groups gnomAD compares: African/African-American, 14%; 798 homozygotes.

Submissions (22):

Labcorp Genetics (formerly Invitae), Labcorp
Classification: Benign for Juvenile polyposis syndrome. Last evaluated: 2026-02-04. Review status: criteria provided, single submitter. Criteria: Invitae Variant Classification Sherloc (09022015). Collection method: clinical testing. Allele origin: germline.

GeneKor MSA
Classification: Benign for Hereditary cancer-predisposing syndrome. Last evaluated: 2025-07-10. Review status: criteria provided, single submitter. Criteria: ACMG Guidelines, 2015. Collection method: clinical testing. Allele origin: germline.

ARUP Laboratories, Molecular Genetics and Genomics, ARUP Laboratories
Classification: Benign. Last evaluated: 2025-05-19. Review status: criteria provided, single submitter. Criteria: ARUP Molecular Germline Variant Investigation Process 2024. Collection method: clinical testing. Allele origin: germline.

Center for Genomic Medicine, Rigshospitalet, Copenhagen University Hospital
Classification: Benign. Last evaluated: 2025-03-04. Review status: criteria provided, single submitter. Criteria: ACMG Guidelines, 2015. Collection method: clinical testing. Allele origin: germline.

Institute for Biomarker Research, Medical Diagnostic Laboratories, L.L.C.
Classification: Benign for Hereditary cancer-predisposing syndrome. Last evaluated: 2025-01-20. Review status: criteria provided, single submitter. Criteria: ACMG Guidelines, 2015. Collection method: clinical testing. Allele origin: germline.
Comment: The synonymous variant NM_004329.3(BMPR1A):c.435G>A (p.Pro145=) has been reported to ClinVar as Benign with a status of (2 stars) criteria provided, multiple submitters, no conflicts (Variation ID 183708 as of 2025-01-02). . The p.Pro145= variant is observed in 207/5,008 (4.1334%) alleles from individuals of 1kG All background in 1kG, indicating it is a common benign variant. The p.Pro145= variant is not predicted to disrupt the existing acceptor splice site 5bp upstream by any splice site algorithm. The p.Pro145= variant results in a substitution of a base that is not predicted conserved by GERP++ and PhyloP. For these reasons, this variant has been classified as Benign

Myriad Genetics, Inc.
Classification: Benign for Juvenile polyposis syndrome. Last evaluated: 2024-08-01. Review status: criteria provided, single submitter. Criteria: Myriad Autosomal Dominant, Autosomal Recessive and X-Linked Classification Criteria (2023). Collection method: clinical testing. Allele origin: unknown.
Comment: This variant is considered benign. This variant is a silent/synonymous amino acid change and it is not expected to impact splicing.

KCCC/NGS Laboratory, Kuwait Cancer Control Center
Classification: Benign for Juvenile polyposis syndrome. Last evaluated: 2023-07-07. Review status: criteria provided, single submitter. Criteria: ACMG Guidelines, 2015. Collection method: clinical testing. Allele origin: germline. Affected: yes.

Quest Diagnostics Nichols Institute San Juan Capistrano
Classification: Benign. Last evaluated: 2020-04-08. Review status: criteria provided, single submitter. Criteria: Quest Diagnostics criteria. Collection method: clinical testing. Allele origin: unknown.

Sema4
Classification: Benign for Hereditary cancer-predisposing syndrome. Last evaluated: 2020-03-22. Review status: criteria provided, single submitter. Criteria: Sema4 Curation Guidelines. Collection method: curation. Allele origin: germline.

Illumina Laboratory Services, Illumina
Classification: Benign for Juvenile polyposis syndrome. Last evaluated: 2018-01-13. Review status: criteria provided, single submitter. Criteria: ICSL Variant Classification Criteria 13 December 2019. Collection method: clinical testing. Allele origin: germline.
Comment: This variant was observed in the ICSL laboratory as part of a predisposition screen in an ostensibly healthy population. It had not been previously curated by ICSL or reported in the Human Gene Mutation Database (HGMD: prior to June 1st, 2018), and was therefore a candidate for classification through an automated scoring system. Utilizing variant allele frequency, disease prevalence and penetrance estimates, and inheritance mode, an automated score was calculated to assess if this variant is too frequent to cause the disease. Based on the score and internal cut-off values, a variant classified as benign is not then subjected to further curation. The score for this variant resulted in a classification of benign for this disease.

Color Diagnostics, LLC DBA Color Health
Classification: Benign for Hereditary cancer-predisposing syndrome. Last evaluated: 2016-03-09. Review status: criteria provided, single submitter. Criteria: ACMG Guidelines, 2015. Collection method: clinical testing. Allele origin: germline.

PreventionGenetics, part of Exact Sciences
Classification: Benign. Last evaluated: 2016-01-28. Review status: criteria provided, single submitter. Criteria: ACMG Guidelines, 2015. Collection method: clinical testing. Allele origin: germline.

GeneDx
Classification: Benign. Last evaluated: 2015-03-03. Review status: criteria provided, single submitter. Criteria: GeneDx Variant Classification Process June 2021. Collection method: clinical testing. Allele origin: germline. Affected: yes.

Ambry Genetics
Classification: Benign for Hereditary cancer-predisposing syndrome. Last evaluated: 2014-11-19. Review status: criteria provided, single submitter. Criteria: Ambry Variant Classification Scheme 2023. Collection method: clinical testing. Allele origin: germline.

Breakthrough Genomics
Classification: Benign. Review status: criteria provided, single submitter. Criteria: ACMG Guidelines, 2015. Collection method: not provided. Allele origin: germline. Inheritance: Autosomal dominant inheritance. Affected: yes.

True Health Diagnostics
Classification: Likely benign for Hereditary cancer-predisposing syndrome. Last evaluated: 2018-01-12. Review status: no assertion criteria provided. Collection method: clinical testing. Allele origin: germline. Not counted in ClinVar's aggregate classification.

Clinical Genetics, Academic Medical Center
Classification: Benign. Review status: no assertion criteria provided. Collection method: clinical testing. Allele origin: germline. Affected: yes. Study: VKGL Data-share Consensus. Not counted in ClinVar's aggregate classification.

Department of Pathology and Laboratory Medicine, Sinai Health System
Classification: Benign for Polyposis syndrome, hereditary mixed, 2. Review status: no assertion criteria provided. Collection method: clinical testing. Allele origin: unknown. Affected: yes. Observed: 2 variant alleles. Study: The Canadian Open Genetics Repository (COGR). Not counted in ClinVar's aggregate classification.
Comment: The BMPR1A p.Pro145= variant was identified in dbSNP (ID: rs11818239) as â€šÃ„ÃºWith Benign, Likely benign alleleâ€šÃ„Ã¹, ClinVar (classified benign by Ambry Genetics, Illumina, Invitae, Quest Diagnostics Nichols Institute San Juan Capistrano, ARUP, Color, Prevention Genetics and Mayo Clinic; and likely benign by True Health Diagnostics). The variant was identified in control databases in 3757 (239 homozygous) of 277074 chromosomes at a frequency of 0.01 (Genome Aggregation Database Feb 27, 2017, observed in the following populations: African in 3359 (236 homozygous) of 24018 chromosomes (freq: 0.1), Other in 46 of 6458 chromosomes (freq: 0.007), Latino in 269 (2 homozygous) of 34418 chromosomes (freq: 0.008), European Non-Finnish in 74 (1 homozygous) of 126644 chromosomes (freq: 0.0006), East Asian in 1 of 18866 chromosomes (freq: 0.00005), and South Asian in 8 of 30782 chromosomes (freq: 0.0003), while not observed in the Ashkenazi Jewish and European Finnish populations. The p.Pro145= variant is not expected to have clinical significance because it does not result in a change of amino acid and is not located in a known consensus splice site. The variant occurs outside of the splicing consensus sequence, 5 bases into exon 7, and 3 of 4 in silico or computational prediction software programs (SpliceSiteFinder, MaxEntScan, NNSPLICE, GeneSplicer) predict a greater than 10% difference in splicing. However, this information is not predictive enough to assume pathogenicity. In summary, based on the above information this variant meets our laboratory's criteria to be classified as benign.

Genome Diagnostics Laboratory, Amsterdam University Medical Center
Classification: Benign. Review status: no assertion criteria provided. Collection method: clinical testing. Allele origin: germline. Affected: yes. Study: VKGL Data-share Consensus. Not counted in ClinVar's aggregate classification.

Genome Diagnostics Laboratory, University Medical Center Utrecht
Classification: Benign. Review status: no assertion criteria provided. Collection method: clinical testing. Allele origin: germline. Affected: yes. Study: VKGL Data-share Consensus. Not counted in ClinVar's aggregate classification.

Joint Genome Diagnostic Labs from Nijmegen and Maastricht, Radboudumc and MUMC+
Classification: Benign. Review status: no assertion criteria provided. Collection method: clinical testing. Allele origin: germline. Affected: yes. Study: VKGL Data-share Consensus. Not counted in ClinVar's aggregate classification.

Mayo Clinic Laboratories, Mayo Clinic
Classification: Benign. Review status: no assertion criteria provided. Collection method: clinical testing. Allele origin: unknown. Not counted in ClinVar's aggregate classification.

Literature cited by the submitters: PubMed 18178612 (cited by Quest Diagnostics Nichols Institute San Juan Capistrano); PubMed 12676908 (cited by Quest Diagnostics Nichols Institute San Juan Capistrano).